The following is an entry in ClinVar:

NM_016151.4(TAOK2):c.2077C>T (p.Arg693Trp)

Gene: TAOK2 (TAO kinase 2; plus strand). Cytogenetic location: 16p11.2.
Variant type: single nucleotide variant.
Coding change: c.2077C>T on transcript NM_016151.4 (MANE Select); coding-DNA position 2077, C replaced by T.
Protein change: p.Arg693Trp; replaces arginine 693 with tryptophan.
Molecular consequence: missense variant.
Genome position (GRCh38, 1-based): chr16:29,986,349, C>T. VCF-style: chr16-29986349-C-T. GRCh37 (hg19) VCF-style: chr16-29997670-C-T.
Other names: c.2077C>T, p.Arg693Trp (NM_001252043.2, NM_004783.4); short protein forms R693W.
Identifiers: ClinVar variation 2714843 (VCV002714843.3), dbSNP rs780259481, ClinGen allele CA7998305.

ClinVar aggregate classification (germline): Uncertain significance (1 of 4 stars; one submission).

Allele frequency attached by ClinVar (database versions not stated): TOPMed below 0.00001; gnomAD 0.00001.
gnomAD v4.1: 10 of 1,586,004 alleles (0.00063%); highest among the groups gnomAD compares: Admixed American, 0.0036%; no homozygotes.

Submission:

Labcorp Genetics (formerly Invitae), Labcorp
Classification: Uncertain significance. Last evaluated: 2025-09-23. Review status: criteria provided, single submitter. Criteria: Invitae Variant Classification Sherloc (09022015). Collection method: clinical testing. Allele origin: germline.
Comment: This sequence change replaces arginine, which is basic and polar, with tryptophan, which is neutral and slightly polar, at codon 693 of the TAOK2 protein (p.Arg693Trp). The frequency data for this variant in the population databases is considered unreliable, as metrics indicate poor data quality at this position in the gnomAD database. This variant has not been reported in the literature in individuals affected with TAOK2-related conditions. ClinVar contains an entry for this variant (Variation ID: 2714843). An algorithm developed to predict the effect of missense changes on protein structure and function (PolyPhen-2) suggests that this variant is likely to be disruptive. In summary, the available evidence is currently insufficient to determine the role of this variant in disease. Therefore, it has been classified as a Variant of Uncertain Significance.